The following is an entry in ClinVar:

ClinVar aggregate classification (germline): Uncertain significance (1 of 4 stars; one submission).

Conditions:
Inborn genetic diseases. Identifiers: MedGen C0950123, MeSH D030342.

gnomAD v4.1: 1 of 1,614,180 alleles (0.000062%); highest among the groups gnomAD compares: South Asian, 0.0011%; no homozygotes.

Submission:

Ambry Genetics
Classification: Uncertain significance for Inborn genetic diseases. Last evaluated: 2025-09-26. Review status: criteria provided, single submitter. Criteria: Ambry Variant Classification Scheme 2023. Collection method: clinical testing. Allele origin: germline.
Comment: The p.K721E variant (also known as c.2161A>G), located in coding exon 8 of the MECOM gene, results from an A to G substitution at nucleotide position 2161. The lysine at codon 721 is replaced by glutamic acid, an amino acid with similar properties. This amino acid position is conserved. In addition, the in silico prediction for this alteration is inconclusive. Based on the available evidence, the clinical significance of this variant remains unclear.

NM_004991.4(MECOM):c.2161A>G (p.Lys721Glu)

Gene: MECOM (MDS1 and EVI1 complex locus; minus strand). Cytogenetic location: 3q26.2.
Variant type: single nucleotide variant.
Coding change: c.2161A>G on transcript NM_004991.4 (MANE Select); coding-DNA position 2161, A replaced by G.
Protein change: p.Lys721Glu; replaces lysine 721 with glutamic acid.
Molecular consequence: missense variant.
Genome position (GRCh38, 1-based): chr3:169,115,711, T>C on the plus strand (A>G on the coding strand, the complement: MECOM is on the minus strand). VCF-style: chr3-169115711-T-C. GRCh37 (hg19) VCF-style: chr3-168833499-T-C.
Other names: c.1597A>G, p.Lys533Glu (NM_001366472.2, NM_005241.4, NM_001105078.4 and 4 more transcripts); c.1189A>G, p.Lys397Glu (NM_001366473.2); c.625A>G, p.Lys209Glu (NM_001366474.2); c.1792A>G, p.Lys598Glu (NM_001105077.4); c.1600A>G, p.Lys534Glu (NM_001163999.2, NM_001366467.2, NM_001366468.2 and 1 more transcripts); c.2161A>G, p.Lys721Glu (NM_001366466.2); short protein forms K534E, K598E, K533E, K721E, K209E, K397E.
Identifiers: ClinVar variation 4624604 (VCV004624604.1).